The following is an entry in ClinVar:

ClinVar aggregate classification (germline): Likely benign. Review status: reviewed by expert panel (3 of 4 stars). 6 submissions from 6 submitters: Likely benign (1). 5 of the submissions do not count toward it. Last evaluated 2017-04-18.

Conditions:
SOS1-related disorder. Also called: SOS1-related condition.
Cardiovascular phenotype. Identifiers: MedGen CN230736.
RASopathy. Also called: rasopathies; Noonan spectrum disorder. Identifiers: Orphanet 536391, MedGen C5555857, MONDO:0021060.

Allele frequency attached by ClinVar (database versions not stated): ExAC 0.00007; gnomAD 0.00013; ESP Exome Variant Server 0.00015; TOPMed 0.00015; 1000 Genomes Project 0.00020; 1000 Genomes Project 30x 0.00031.
gnomAD v4.1: 39 of 1,613,866 alleles (0.0024%); highest among the groups gnomAD compares: African/African-American, 0.04%; no homozygotes.

Submissions (6):

ClinGen RASopathy Variant Curation Expert Panel
Classification: Likely benign for Noonan syndrome and Noonan-related syndrome. Last evaluated: 2017-04-18. Review status: reviewed by expert panel. Criteria: ClinGen RASopathy ACMG Specifications v1. Collection method: curation. Allele origin: germline. Inheritance: Autosomal dominant inheritance.
Comment: The filtering allele frequency of the c.3330G>C (p.Ser1110=) variant in the SOS1 gene is 0.0382% (8/10406) of African chromosomes by the Exome Aggregation Consortium, which is a high enough frequency to be classified as likely benign based on thresholds defined by the ClinGen RASopathy Expert Panel (BS1; PMID:29493581)

PreventionGenetics, part of Exact Sciences
Classification: Likely benign for SOS1-related condition. Last evaluated: 2026-06-17. Review status: criteria provided, single submitter. Criteria: ACMG Guidelines, 2015. Collection method: clinical testing. Allele origin: germline. Not counted in ClinVar's aggregate classification.
Comment: This variant is classified as likely benign based on ACMG/AMP sequence variant interpretation guidelines (Richards et al. 2015 PMID: 25741868, with internal and published modifications).

Labcorp Genetics (formerly Invitae), Labcorp
Classification: Likely benign for RASopathy. Last evaluated: 2026-02-01. Review status: criteria provided, single submitter. Criteria: Invitae Variant Classification Sherloc (09022015). Collection method: clinical testing. Allele origin: germline. Not counted in ClinVar's aggregate classification.

Blueprint Genetics
Classification: Likely benign. Last evaluated: 2024-03-28. Review status: criteria provided, single submitter. Criteria: ACMG Guidelines, 2015. Collection method: clinical testing. Allele origin: germline. Not counted in ClinVar's aggregate classification.

Ambry Genetics
Classification: Likely benign for Cardiovascular phenotype. Last evaluated: 2019-08-16. Review status: criteria provided, single submitter. Criteria: Ambry Variant Classification Scheme 2023. Collection method: clinical testing. Allele origin: germline. Not counted in ClinVar's aggregate classification.

GeneDx
Classification: Likely benign. Last evaluated: 2017-11-24. Review status: criteria provided, single submitter. Criteria: GeneDx Variant Classification (06012015). Collection method: clinical testing. Allele origin: germline. Affected: yes. Not counted in ClinVar's aggregate classification.
Comment: This variant is considered likely benign or benign based on one or more of the following criteria: it is a conservative change, it occurs at a poorly conserved position in the protein, it is predicted to be benign by multiple in silico algorithms, and/or has population frequency not consistent with disease.

NM_005633.4(SOS1):c.3330G>C (p.Ser1110=)

Gene: SOS1 (SOS Ras/Rac guanine nucleotide exchange factor 1; minus strand). Cytogenetic location: 2p22.1.
Variant type: single nucleotide variant.
Coding change: c.3330G>C on transcript NM_005633.4 (MANE Select); coding-DNA position 3330, G replaced by C.
Protein change: p.Ser1110=; no amino-acid change (serine 1110 retained).
Molecular consequence: synonymous variant.
Genome position (GRCh38, 1-based): chr2:38,995,139, C>G on the plus strand (G>C on the coding strand, the complement: SOS1 is on the minus strand). VCF-style: chr2-38995139-C-G. GRCh37 (hg19) VCF-style: chr2-39222280-C-G.
Other names: NM_005633.3(SOS1):c.3330G>C; c.3309G>C, p.Ser1103= (NM_001382394.1); c.3330G>C, p.Ser1110= (NM_001382395.1).
Identifiers: ClinVar variation 448940 (VCV000448940.14), dbSNP rs146383828, ClinGen allele CA1624221.